The following is an entry in ClinVar:

ClinVar aggregate classification (germline): Likely benign. Review status: criteria provided, multiple submitters, no conflicts (2 of 4 stars). 2 submissions from 2 submitters: Likely benign (2). Last evaluated 2023-07-19.

Conditions:
Malignant hyperthermia, susceptibility to, 5 (MHS5). Also called: CACNA1S-Related Malignant Hyperthermia Susceptibility. Identifiers: Orphanet 423, MedGen C1866077, MONDO:0011163, OMIM 601887.

Submissions (2):

All of Us Research Program, National Institutes of Health
Classification: Likely benign for Malignant hyperthermia, susceptibility to, 5. Last evaluated: 2023-07-19. Review status: criteria provided, single submitter. Criteria: ACMG Guidelines, 2015. Collection method: clinical testing. Allele origin: germline. Inheritance: Autosomal dominant inheritance. Observed: 1 variant allele, 1 heterozygote.
Comment: This study involves interpretation of variants in research participants for the purpose of population health screening. Participant phenotype was not available at the time of variant classification. Additional details can be found in publication PMID: 35346344, PMCID: PMC8962531

Color Diagnostics, LLC DBA Color Health
Classification: Likely benign for Malignant hyperthermia, susceptibility to, 5. Last evaluated: 2023-04-26. Review status: criteria provided, single submitter. Criteria: ACMG Guidelines, 2015. Collection method: clinical testing. Allele origin: germline.

NM_000069.3(CACNA1S):c.2874C>G (p.Thr958=)

Gene: CACNA1S (calcium voltage-gated channel subunit alpha1 S; minus strand). Cytogenetic location: 1q32.1.
Variant type: single nucleotide variant.
Coding change: c.2874C>G on transcript NM_000069.3 (MANE Select); coding-DNA position 2874, C replaced by G.
Protein change: p.Thr958=; no amino-acid change (threonine 958 retained).
Molecular consequence: synonymous variant.
Genome position (GRCh38, 1-based): chr1:201,062,494, G>C on the plus strand (C>G on the coding strand, the complement: CACNA1S is on the minus strand). VCF-style: chr1-201062494-G-C. GRCh37 (hg19) VCF-style: chr1-201031622-G-C.
Identifiers: ClinVar variation 2775013 (VCV002775013.3), dbSNP rs200427762, ClinGen allele CA422720532.